The following is an entry in ClinVar:

NM_004963.4(GUCY2C):c.1606-1G>A

Gene: GUCY2C (guanylate cyclase 2C; minus strand). Cytogenetic location: 12p12.3.
Variant type: single nucleotide variant.
Coding change: c.1606-1G>A on transcript NM_004963.4 (MANE Select); the canonical splice acceptor site of the intron before coding-DNA position 1606, G replaced by A.
Molecular consequence: splice acceptor variant.
Genome position (GRCh38, 1-based): chr12:14,651,512, C>T on the plus strand (G>A on the coding strand, the complement: GUCY2C is on the minus strand). VCF-style: chr12-14651512-C-T. GRCh37 (hg19) VCF-style: chr12-14804446-C-T.
Identifiers: ClinVar variation 4811113 (VCV004811113.1).

ClinVar aggregate classification (germline): Uncertain significance (1 of 4 stars; one submission).

Submission:

Labcorp Genetics (formerly Invitae), Labcorp
Classification: Uncertain significance. Last evaluated: 2025-10-17. Review status: criteria provided, single submitter. Criteria: Invitae Variant Classification Sherloc (09022015). Collection method: clinical testing. Allele origin: germline.
Comment: This sequence change affects an acceptor splice site in intron 14 of the GUCY2C gene. It is expected to disrupt RNA splicing. Variants that disrupt the donor or acceptor splice site typically lead to a loss of protein function (PMID: 16199547), however the current clinical and genetic evidence is not sufficient to establish whether loss-of-function variants in GUCY2C cause disease. This variant is not present in population databases (gnomAD no frequency). This variant has not been reported in the literature in individuals affected with GUCY2C-related conditions. Experimental studies and prediction algorithms are not available or were not evaluated, and the functional significance of this variant is currently unknown. Algorithms developed to predict the effect of sequence changes on RNA splicing suggest that this variant may disrupt the consensus splice site. In summary, the available evidence is currently insufficient to determine the role of this variant in disease. Therefore, it has been classified as a Variant of Uncertain Significance.

Literature cited by the submitters: PubMed 16199547.